The following is an entry in ClinVar:

ClinVar aggregate classification (germline): Uncertain significance (1 of 4 stars; one submission).

Conditions:
Cardiovascular phenotype. Identifiers: MedGen CN230736.

Submission:

Ambry Genetics
Classification: Uncertain significance for Cardiovascular phenotype. Last evaluated: 2023-03-13. Review status: criteria provided, single submitter. Criteria: Ambry Variant Classification Scheme 2023. Collection method: clinical testing. Allele origin: germline.
Comment: The p.H681Q variant (also known as c.2043C>A), located in coding exon 15 of the DSP gene, results from a C to A substitution at nucleotide position 2043. The histidine at codon 681 is replaced by glutamine, an amino acid with highly similar properties. This amino acid position is conserved. In addition, this alteration is predicted to be tolerated by in silico analysis. Since supporting evidence is limited at this time, the clinical significance of this alteration remains unclear.

NM_004415.4(DSP):c.2043C>A (p.His681Gln)

Gene: DSP (desmoplakin; plus strand). Cytogenetic location: 6p24.3.
Variant type: single nucleotide variant.
Coding change: c.2043C>A on transcript NM_004415.4 (MANE Select); coding-DNA position 2043, C replaced by A.
Protein change: p.His681Gln; replaces histidine 681 with glutamine.
Molecular consequence: missense variant.
Genome position (GRCh38, 1-based): chr6:7,571,981, C>A. VCF-style: chr6-7571981-C-A. GRCh37 (hg19) VCF-style: chr6-7572214-C-A.
Other names: c.2043C>A, p.His681Gln (NM_001008844.3, NM_001319034.2); short protein forms H681Q.
Identifiers: ClinVar variation 2453276 (VCV002453276.2), dbSNP rs2533897008, ClinGen allele CA362680425.